The following is an entry in ClinVar:

NM_015909.4(NBAS):c.17C>A (p.Ser6Ter)

Genes: NBAS (NBAS subunit of NRZ tethering complex; minus strand), LOC129933155 (ATAC-STARR-seq lymphoblastoid active region 15346; plus strand). Cytogenetic location: 2p24.3.
Variant type: single nucleotide variant.
Coding change: c.17C>A on transcript NM_015909.4 (MANE Select); coding-DNA position 17, C replaced by A.
Protein change: p.Ser6Ter; replaces serine 6 with a stop codon.
Molecular consequence: nonsense. On other transcripts: non-coding transcript variant (1).
Genome position (GRCh38, 1-based): chr2:15,561,288, G>T on the plus strand (C>A on the coding strand, the complement: NBAS is on the minus strand). VCF-style: chr2-15561288-G-T. GRCh37 (hg19) VCF-style: chr2-15701412-G-T.
Other names: short protein forms S6*.
Identifiers: ClinVar variation 838205 (VCV000838205.9), dbSNP rs202020492, ClinGen allele CA345895238.

ClinVar aggregate classification (germline): Pathogenic/Likely pathogenic. Review status: criteria provided, multiple submitters, no conflicts (2 of 4 stars). 2 submissions from 2 submitters: Pathogenic (1); Likely pathogenic (1). Last evaluated 2024-06-07.

Conditions:
Infantile liver failure syndrome 2 (ILFS2). Identifiers: MedGen C3809651, MONDO:0014659, OMIM 616483.
Short stature-optic atrophy-Pelger-Huët anomaly syndrome. Also called: Short stature-optic atrophy-Pelger-HuC+t anomaly syndrome; Short stature, optic nerve atrophy, and Pelger-Huet anomaly. Identifiers: Orphanet 391677, MedGen C3541319, MONDO:0013889, OMIM 614800.

gnomAD v4.1: 10 of 1,613,390 alleles (0.00062%); highest among the groups gnomAD compares: Non-Finnish European, 0.00085%; no homozygotes.

Submissions (2):

Fulgent Genetics
Classification: Likely pathogenic for Short stature-optic atrophy-Pelger-Huët anomaly syndrome; Infantile liver failure syndrome 2. Last evaluated: 2024-06-07. Review status: criteria provided, single submitter. Criteria: ACMG Guidelines, 2015. Collection method: clinical testing. Allele origin: germline.

Labcorp Genetics (formerly Invitae), Labcorp
Classification: Pathogenic. Last evaluated: 2019-03-28. Review status: criteria provided, single submitter. Criteria: Invitae Variant Classification Sherloc (09022015). Collection method: clinical testing. Allele origin: germline.
Comment: This variant is not present in population databases (ExAC no frequency). For these reasons, this variant has been classified as Pathogenic. Loss-of-function variants in NBAS are known to be pathogenic (PMID: 26073778, 26541327, 27789416, 28031453). This variant has not been reported in the literature in individuals with NBAS-related conditions. This sequence change creates a premature translational stop signal (p.Ser6*) in the NBAS gene. It is expected to result in an absent or disrupted protein product.

Literature cited by the submitters: PubMed 26073778 (cited by Labcorp Genetics (formerly Invitae), Labcorp); PubMed 26541327 (cited by Labcorp Genetics (formerly Invitae), Labcorp); PubMed 27789416 (cited by Labcorp Genetics (formerly Invitae), Labcorp); PubMed 28031453 (cited by Labcorp Genetics (formerly Invitae), Labcorp).